The following is an entry in ClinVar:

NM_012479.4(YWHAG):c.169C>T (p.Arg57Cys)

Gene: YWHAG (tyrosine 3-monooxygenase/tryptophan 5-monooxygenase activation protein gamma; minus strand). Cytogenetic location: 7q11.23.
Variant type: single nucleotide variant.
Coding change: c.169C>T on transcript NM_012479.4 (MANE Select); coding-DNA position 169, C replaced by T.
Protein change: p.Arg57Cys; replaces arginine 57 with cysteine.
Molecular consequence: missense variant.
Genome position (GRCh38, 1-based): chr7:76,330,152, G>A on the plus strand (C>T on the coding strand, the complement: YWHAG is on the minus strand). VCF-style: chr7-76330152-G-A. GRCh37 (hg19) VCF-style: chr7-75959469-G-A.
Other names: short protein forms R57C.
Identifiers: ClinVar variation 659092 (VCV000659092.23), dbSNP rs1583981736, ClinGen allele CA367778002.

ClinVar aggregate classification (germline): Pathogenic. Review status: criteria provided, multiple submitters, no conflicts (2 of 4 stars). 8 submissions from 8 submitters: Pathogenic (5). 3 of the submissions do not count toward it. Last evaluated 2025-05-22.

Conditions:
YWHAG-related disorder. Also called: YWHAG-related condition.
Developmental and epileptic encephalopathy, 56. Also called: EPILEPTIC ENCEPHALOPATHY, EARLY INFANTILE, 56. Identifiers: MedGen C4540034, MONDO:0033365, OMIM 617665.
Hypotonia. Also called: Muscular hypotonia; poor muscle tone. Identifiers: MedGen C0026827, HP:0001252.
Intellectual disability. Also called: Intellectual functioning disability; intellectual disabilities; Intellectual developmental disorder. Identifiers: MedGen C3714756, MeSH D008607, MONDO:0001071, HP:0001249.
Microcephaly. Also called: Microcephaly (disease). Identifiers: MedGen C4551563, MONDO:0001149, HP:0000252.
Severe global developmental delay. Also called: Severe psychomotor retardation. Identifiers: MedGen C1837397, HP:0011344.
Constipation. Also called: Constipation disorder. Identifiers: MedGen C0009806, MONDO:0002203, HP:0002019.
Spasticity. Identifiers: MedGen C0026838, HP:0001257.
Seizure. Also called: Seizures. Identifiers: MedGen C0036572, HP:0001250.
Failure to thrive. Also called: Pediatric failure to thrive. Identifiers: MedGen C2315100, HP:0001508.
YWHAG-related epilepsy.
Inborn genetic diseases. Identifiers: MedGen C0950123, MeSH D030342.

Submissions (8):

Labcorp Genetics (formerly Invitae), Labcorp
Classification: Pathogenic. Last evaluated: 2025-05-22. Review status: criteria provided, single submitter. Criteria: Invitae Variant Classification Sherloc (09022015). Collection method: clinical testing. Allele origin: germline.
Comment: This sequence change replaces arginine, which is basic and polar, with cysteine, which is neutral and slightly polar, at codon 57 of the YWHAG protein (p.Arg57Cys). This variant is not present in population databases (gnomAD no frequency). This missense change has been observed in individual(s) with developmental and epileptic encephalopathy or its clinical features (PMID: 31926053; internal data). In at least one individual the variant was observed to be de novo. ClinVar contains an entry for this variant (Variation ID: 659092). Invitae Evidence Modeling of protein sequence and biophysical properties (such as structural, functional, and spatial information, amino acid conservation, physicochemical variation, residue mobility, and thermodynamic stability) indicates that this missense variant is expected to disrupt YWHAG protein function with a positive predictive value of 80%. This variant disrupts the p.Arg57 amino acid residue in YWHAG. Other variant(s) that disrupt this residue have been determined to be pathogenic (PMID: 31926053). This suggests that this residue is clinically significant, and that variants that disrupt this residue are likely to be disease-causing. For these reasons, this variant has been classified as Pathogenic.

Ambry Genetics
Classification: Pathogenic for Inborn genetic diseases. Last evaluated: 2024-10-29. Review status: criteria provided, single submitter. Criteria: Ambry Variant Classification Scheme 2023. Collection method: clinical testing. Allele origin: germline.
Comment: The c.169C>T (p.R57C) alteration is located in exon 2 (coding exon 2) of the YWHAG gene. This alteration results from a C to T substitution at nucleotide position 169, causing the arginine (R) at amino acid position 57 to be replaced by a cysteine (C). This variant was not reported in population-based cohorts in the Genome Aggregation Database (gnomAD). This variant has been determined to be the result of a de novo mutation in multiple individuals with epilepsy, global developmental delay, intellectual disability, speech delay, and/or dysmorphic facial features (Kanani, 2020; Pode-Shakked, 2021; Ko, 2023). Another alteration at the same codon, c.170G>A (p.R57H), has been detected de novo in multiple individuals with clinical features consistent with YWHAG-related developmental and epileptic encephalopathy (Sedl&aacute;kov&aacute;, 2021; Yi, 2022; Ambry internal data). This amino acid position is highly conserved in available vertebrate species. This missense alteration is located in a region that has a low rate of benign missense variation (Lek, 2016; Firth, 2009). This alteration is predicted to be deleterious by in silico analysis. Based on the available evidence, this alteration is classified as pathogenic.

GeneDx
Classification: Pathogenic. Last evaluated: 2024-01-31. Review status: criteria provided, single submitter. Criteria: GeneDx Variant Classification Process June 2021. Collection method: clinical testing. Allele origin: germline. Affected: yes.
Comment: In silico analysis supports that this missense variant has a deleterious effect on protein structure/function; Not observed at significant frequency in large population cohorts (gnomAD); This variant is associated with the following publications: (PMID: 33726816, 34580403, 35982160, 33393734, 31926053)

Institute of Human Genetics, University of Leipzig Medical Center
Classification: Pathogenic for Microcephaly; Intellectual disability; Seizure; Hypotonia; Spasticity; Failure to thrive; Constipation; Severe global developmental delay. Last evaluated: 2022-06-23. Review status: criteria provided, single submitter. Criteria: ACMG Guidelines, 2015. Collection method: clinical testing. Allele origin: de novo. Affected: yes.
Comment: This variant was found as mosaic. This variant was identified as de novo (maternity and paternity confirmed)._x000D_ Criteria applied: PM5_STR, PS2_MOD, PS4_MOD, PM2_SUP, PP3

Illumina Laboratory Services, Illumina
Classification: Pathogenic for Developmental and epileptic encephalopathy, 56. Last evaluated: 2021-07-30. Review status: criteria provided, single submitter. Criteria: ICSLVariantClassificationCriteria RUGD 01 April 2020. Collection method: clinical testing. Allele origin: unknown.
Comment: The YWHAG c.169C>T (p.Arg57Cys) variant is a missense variant that has been reported in a confirmed de novo heterozygous state in one individual with developmental and epileptic encephalopathy (Kanani et al. 2019). Clinical features in this individual include seizures, global developmental delays, speech delays, and moderate intellectual disability. This variant is not found in version 2.1.1 or version 3.1.1 of the Genome Aggregation Database despite its location in a region of good sequence coverage, which suggests the variant is rare. Kanani et al. (2019) identified a second individual who carried another de novo heterozygous variant at the same nucleotide position that results in a different amino acid change, c.169C>G (p.Arg57Gly); this variant is also absent from versions 2.1.1 and 3.1.1 of the Genome Aggregation Database. The Arg57 residue is part of the highly conserved triad of Arg-132, Arg-57, and Tyr-133, which is part of the protein binding groove and is responsible for fixing the orientation of phosphopeptides (Kanani et al. 2019). Multiple predictive algorithms suggest the p.Arg57Cys variant to be damaging to the protein, though these predictions have not been experimentally confirmed. Based on the available evidence, the p.Arg57Cys variant is classified as pathogenic for YWHAG-related developmental and epileptic encephalopathy.

PreventionGenetics, part of Exact Sciences
Classification: Pathogenic for YWHAG-related condition. Last evaluated: 2024-07-29. Review status: no assertion criteria provided. Collection method: clinical testing. Allele origin: germline. Not counted in ClinVar's aggregate classification.
Comment: The YWHAG c.169C>T variant is predicted to result in the amino acid substitution p.Arg57Cys. This variant was reported de novo in two children with clinical features YWHAG-related disease (Kanani et al. 2020. PubMed ID: 31926053; Internal Data, PreventionGenetics). It has also been reported de novo in children with developmental and epileptic encephalopathy (Pode-Shakked et al. 2021. PubMed ID: 34580403; Certica et al. 2024. PubMed ID: 38491959) and myoclonic atonic encephalopathy (Table S1, Certica et al. 2024. PubMed ID: 38491959). Alternate nucleotide changes affecting the same amino acid (p.Arg57Gly; p.Arg57His) have been reported in individuals with YWHAG-related disorders (Kanani et al. 2020. PubMed ID: 31926053; Table S1 and S2, Certica et al. 2024. PubMed ID: 38491959). This variant has not been reported in a large population database, indicating this variant is rare. This variant has been interpreted as pathogenic by multiple submitters in ClinVar. This variant is interpreted as pathogenic.

Department of Rehabilitation, Anhui Provincial Children's Hospital
Classification: Pathogenic for Developmental and epileptic encephalopathy, 56. Last evaluated: 2022-11-29. Review status: no assertion criteria provided. Collection method: clinical testing. Allele origin: unknown. Affected: yes. Not counted in ClinVar's aggregate classification.
Comment: This variant occurs more frequently in affected individuals than in control populations. It is absent from population frequency databases such as gnomAD. This variant results in a different amino acid change at the same position as the known pathogenic variant c.170G>A (PM5). Multiple bioinformatic tools predict that this variant is likely to have a deleterious effect on the gene or its product.

Pediatric Genetics Clinic, Sheba Medical Center
Classification: Pathogenic for Developmental and epileptic encephalopathy, 56. Last evaluated: 2021-05-13. Review status: no assertion criteria provided. Collection method: clinical testing. Allele origin: de novo. Affected: yes. Observed: 1 heterozygote. Not counted in ClinVar's aggregate classification.

Literature cited by the submitters: PubMed 31926053 (cited by 3 submitters); PubMed 33590706 (cited by Ambry Genetics); PubMed 34580403 (cited by Ambry Genetics); PubMed 36243722 (cited by Ambry Genetics); PubMed 37645600 (cited by Ambry Genetics).